The following is an entry in ClinVar:

ClinVar aggregate classification (germline): Uncertain significance (1 of 4 stars; one submission).

Conditions:
Diamond-Blackfan anemia. Also called: Blackfan Diamond syndrome; Aregenerative anemia chronic congenital; Red cell aplasia, pure hereditary; Congenital hypoplastic anemia; Aase syndrome. Identifiers: Orphanet 124, MedGen C1260899, MeSH D029503, MONDO:0015253, HP:0004810.

Submission:

Labcorp Genetics (formerly Invitae), Labcorp
Classification: Uncertain significance for Diamond-Blackfan anemia. Last evaluated: 2021-03-21. Review status: criteria provided, single submitter. Criteria: Invitae Variant Classification Sherloc (09022015). Collection method: clinical testing. Allele origin: germline.
Comment: In summary, the available evidence is currently insufficient to determine the role of this variant in disease. Therefore, it has been classified as a Variant of Uncertain Significance. Experimental studies and prediction algorithms are not available or were not evaluated, and the functional significance of this variant is currently unknown. This variant has not been reported in the literature in individuals with RPL5-related conditions. This variant is not present in population databases (ExAC no frequency). This variant, c.766_768del, results in the deletion of 1 amino acid(s) of the RPL5 protein (p.Lys256del), but otherwise preserves the integrity of the reading frame.

NM_000969.5(RPL5):c.763AAG[1] (p.Lys256del)

Genes: DIPK1A (divergent protein kinase domain 1A; minus strand), RPL5 (ribosomal protein L5; plus strand). Cytogenetic location: 1p22.1.
Variant type: Microsatellite.
Coding change: c.763AAG[1] on transcript NM_000969.5 (MANE Select); one copy of the 3-base unit AAG starting at c.763; the reference has two copies in a row; one copy, 3 bases deleted.
Protein change: p.Lys256del; deletes lysine 256.
Molecular consequence: inframe deletion. On other transcripts: non-coding transcript variant (1), intron variant (1).
Genome position (GRCh38, 1-based): chr1:92,840,611-92,840,613, AAG deleted; deleting any 3 consecutive bases within chr1:92,840,608-92,840,613 gives the same sequence; the position shown is the placement nearest the transcript's 3' end. VCF-style (leftmost placement, unchanged base first): chr1-92840607-AAAG-A. GRCh37 (hg19) VCF-style: chr1-93306164-AAAG-A.
Other names: c.474+6573_474+6575del (NM_001252273.2); short protein forms K256del.
Identifiers: ClinVar variation 1493637 (VCV001493637.9), dbSNP rs1571038275, ClinGen allele CA418789576.